The following is an entry in ClinVar:

NM_001371904.1(APOA5):c.1025C>T (p.Ala342Val)

Gene: APOA5 (apolipoprotein A5; minus strand). Cytogenetic location: 11q23.3.
Variant type: single nucleotide variant.
Coding change: c.1025C>T on transcript NM_001371904.1 (MANE Select); coding-DNA position 1025, C replaced by T.
Protein change: p.Ala342Val; replaces alanine 342 with valine.
Molecular consequence: missense variant.
Genome position (GRCh38, 1-based): chr11:116,790,204, G>A on the plus strand (C>T on the coding strand, the complement: APOA5 is on the minus strand). VCF-style: chr11-116790204-G-A. GRCh37 (hg19) VCF-style: chr11-116660920-G-A.
Other names: c.1025C>T, p.Ala342Val (NM_001166598.2, NM_052968.5); short protein forms A342V.
Identifiers: ClinVar variation 2574273 (VCV002574273.1), dbSNP rs2540243522, ClinGen allele CA382734287.

ClinVar aggregate classification (germline): Uncertain significance (1 of 4 stars; one submission).

Submission:

GeneDx
Classification: Uncertain significance. Last evaluated: 2023-01-25. Review status: criteria provided, single submitter. Criteria: GeneDx Variant Classification Process June 2021. Collection method: clinical testing. Allele origin: germline. Affected: yes.
Comment: Not observed at significant frequency in large population cohorts (gnomAD); In silico analysis supports that this missense variant does not alter protein structure/function; Has not been previously published as pathogenic or benign to our knowledge